The following is an entry in ClinVar:

ClinVar aggregate classification (germline): Uncertain significance (1 of 4 stars; one submission).

Conditions:
Joubert syndrome. Also called: CEREBELLOPARENCHYMAL DISORDER IV; JOUBERT-BOLTSHAUSER SYNDROME; Familial aplasia of the vermis. Identifiers: Orphanet 475, MedGen C5979921, MONDO:0018772.
Meckel-Gruber syndrome. Also called: DYSENCEPHALIA SPLANCHNOCYSTICA; GRUBER SYNDROME; Dysencephalia splachnocystica. Identifiers: Orphanet 564, MedGen C0265215, MONDO:0018921.

Submission:

Labcorp Genetics (formerly Invitae), Labcorp
Classification: Uncertain significance for Joubert syndrome; Meckel-Gruber syndrome. Last evaluated: 2024-03-04. Review status: criteria provided, single submitter. Criteria: Invitae Variant Classification Sherloc (09022015). Collection method: clinical testing. Allele origin: germline.
Comment: This sequence change replaces proline, which is neutral and non-polar, with serine, which is neutral and polar, at codon 161 of the TCTN2 protein (p.Pro161Ser). This variant is present in population databases (no rsID available, gnomAD 0.0009%). This variant has not been reported in the literature in individuals affected with TCTN2-related conditions. Advanced modeling of protein sequence and biophysical properties (such as structural, functional, and spatial information, amino acid conservation, physicochemical variation, residue mobility, and thermodynamic stability) performed at Invitae indicates that this missense variant is expected to disrupt TCTN2 protein function with a positive predictive value of 80%. In summary, the available evidence is currently insufficient to determine the role of this variant in disease. Therefore, it has been classified as a Variant of Uncertain Significance.

NM_024809.5(TCTN2):c.481C>T (p.Pro161Ser)

Gene: TCTN2 (tectonic family member 2; plus strand). Cytogenetic location: 12q24.31.
Variant type: single nucleotide variant.
Coding change: c.481C>T on transcript NM_024809.5 (MANE Select); coding-DNA position 481, C replaced by T.
Protein change: p.Pro161Ser; replaces proline 161 with serine.
Molecular consequence: missense variant.
Genome position (GRCh38, 1-based): chr12:123,679,206, C>T. VCF-style: chr12-123679206-C-T. GRCh37 (hg19) VCF-style: chr12-124163753-C-T.
Other names: c.478C>T, p.Pro160Ser (NM_001143850.3); c.481C>T, p.Pro161Ser (NM_001410989.1); short protein forms P161S, P160S.
Identifiers: ClinVar variation 2946521 (VCV002946521.3), dbSNP rs1222611018, ClinGen allele CA387159294.